The following is an entry in ClinVar:

NM_002890.3(RASA1):c.1102+2T>A

Genes: CCNH (cyclin H; minus strand), RASA1 (RAS p21 protein activator 1; plus strand). Cytogenetic location: 5q14.3.
Variant type: single nucleotide variant.
Coding change: c.1102+2T>A on transcript NM_002890.3 (MANE Select); the canonical splice donor site of the intron after coding-DNA position 1102, T replaced by A.
Molecular consequence: splice donor variant. On other transcripts: intron variant (1).
Genome position (GRCh38, 1-based): chr5:87,346,726, T>A. VCF-style: chr5-87346726-T-A. GRCh37 (hg19) VCF-style: chr5-86642543-T-A.
Other names: c.571+2T>A (NM_022650.3); c.934-33931A>T (NM_001364075.2).
Identifiers: ClinVar variation 5001547 (VCV005001547.1).

ClinVar aggregate classification (germline): Likely pathogenic (1 of 4 stars; one submission).

Conditions:
RASA1-related disorder. Also called: RASA1-related condition.

Submission:

PreventionGenetics, part of Exact Sciences
Classification: Likely pathogenic for RASA1-related condition. Last evaluated: 2025-03-18. Review status: criteria provided, single submitter. Criteria: ACMG Guidelines, 2015. Collection method: clinical testing. Allele origin: germline.
Comment: The RASA1 c.1102+2T>A variant is predicted to disrupt the GT donor site and interfere with normal splicing. To our knowledge, this variant has not been reported in the literature or in a large population database (gnomAD), indicating this variant is rare. A different nucleotide change affecting the same GT splicing donor site (c.1102+2T>C) has been reported in an individual with capillary malformation-arteriovenous malformation (CM-AVM) (Patient 35 in Table S1, Saliou et al. 2017. PubMed ID: 29171923). Variants that disrupt the consensus splice donor site in RASA1 are expected to be pathogenic. This variant is interpreted as likely pathogenic.